The following is an entry in ClinVar:

NM_020699.4(GATAD2B):c.1273A>T (p.Thr425Ser)

Gene: GATAD2B (GATA zinc finger domain containing 2B; minus strand). Cytogenetic location: 1q21.3.
Variant type: single nucleotide variant.
Coding change: c.1273A>T on transcript NM_020699.4 (MANE Select); coding-DNA position 1273, A replaced by T.
Protein change: p.Thr425Ser; replaces threonine 425 with serine.
Molecular consequence: missense variant.
Genome position (GRCh38, 1-based): chr1:153,813,396, T>A on the plus strand (A>T on the coding strand, the complement: GATAD2B is on the minus strand). VCF-style: chr1-153813396-T-A. GRCh37 (hg19) VCF-style: chr1-153785872-T-A.
Other names: short protein forms T425S.
Identifiers: ClinVar variation 3389785 (VCV003389785.14).
Genomic context (GRCh38, chr1:153,813,396, plus strand): 5'-TACACTGCTCACATAGAATCTTACCATTCTTTTCTTGCTTCCAGTGAGGGGTGAAATCTG[T>A]GCGGCACTGGGCACATACAAAGGGTTCAACCCGCAGAAGTGAGGCACAGCTTTTGCCTAG-3'
Protein context (NP_065750.1, residues 415-435): VEPFVCAQCR[Thr425Ser]DFTPHWKQEK

ClinVar aggregate classification (germline): Uncertain significance (1 of 4 stars; one submission).

Submission:

CeGaT Center for Human Genetics Tuebingen
Classification: Uncertain significance. Last evaluated: 2024-09-01. Review status: criteria provided, single submitter. Criteria: CeGaT Center For Human Genetics Tuebingen Variant Classification Criteria Version 2. Collection method: clinical testing. Allele origin: germline. Affected: yes. Observed: 1 variant allele.
Comment: GATAD2B: PM2, PP3